The following is an entry in ClinVar:

NM_015015.3(KDM4B):c.3059G>A (p.Arg1020His)

Gene: KDM4B (lysine demethylase 4B; plus strand). Cytogenetic location: 19p13.3.
Variant type: single nucleotide variant.
Coding change: c.3059G>A on transcript NM_015015.3 (MANE Select); coding-DNA position 3059, G replaced by A.
Protein change: p.Arg1020His; replaces arginine 1020 with histidine.
Molecular consequence: missense variant.
Genome position (GRCh38, 1-based): chr19:5,150,395, G>A. VCF-style: chr19-5150395-G-A. GRCh37 (hg19) VCF-style: chr19-5150406-G-A.
Other names: c.3059G>A (NM_015015.2); short protein forms R1020H.
Identifiers: ClinVar variation 1334658 (VCV001334658.5), dbSNP rs560822471, ClinGen allele CA9108476.

ClinVar aggregate classification (germline): Uncertain significance. Review status: criteria provided, multiple submitters, no conflicts (2 of 4 stars). 2 submissions from 2 submitters: Uncertain significance (2). Last evaluated 2025-12-09.

Conditions:
Inborn genetic diseases. Identifiers: MedGen C0950123, MeSH D030342.

Allele frequency attached by ClinVar (database versions not stated): ExAC 0.00005; 1000 Genomes Project 30x 0.00016; 1000 Genomes Project 0.00020; gnomAD exomes 0.00001.
gnomAD v4.1: 24 of 1,551,406 alleles (0.0015%); highest among the groups gnomAD compares: East Asian, 0.0049%; no homozygotes.

Submissions (2):

Ambry Genetics
Classification: Uncertain significance for Inborn genetic diseases. Last evaluated: 2025-12-09. Review status: criteria provided, single submitter. Criteria: Ambry Variant Classification Scheme 2023. Collection method: clinical testing. Allele origin: germline.

Greenwood Genetic Center Diagnostic Laboratories, Greenwood Genetic Center
Classification: Uncertain significance. Last evaluated: 2021-11-04. Review status: criteria provided, single submitter. Criteria: ACMG Guidelines, 2015. Collection method: clinical testing. Allele origin: germline. Affected: yes.
Comment: PP2, PP3, PM2